The following is an entry in ClinVar:

NM_203447.4(DOCK8):c.3060A>G (p.Ile1020Met)

Gene: DOCK8 (dedicator of cytokinesis 8; plus strand). Cytogenetic location: 9p24.3.
Variant type: single nucleotide variant.
Coding change: c.3060A>G on transcript NM_203447.4 (MANE Select); coding-DNA position 3060, A replaced by G.
Protein change: p.Ile1020Met; replaces isoleucine 1020 with methionine.
Molecular consequence: missense variant.
Genome position (GRCh38, 1-based): chr9:396,874, A>G. VCF-style: chr9-396874-A-G. GRCh37 (hg19) VCF-style: chr9-396874-A-G.
Other names: c.2760A>G, p.Ile920Met (NM_001190458.2); c.2856A>G, p.Ile952Met (NM_001193536.2); short protein forms I920M, I1020M, I952M.
Identifiers: ClinVar variation 1491387 (VCV001491387.8), dbSNP rs540666977, ClinGen allele CA4958482.

ClinVar aggregate classification (germline): Uncertain significance (1 of 4 stars; one submission).

Conditions:
Combined immunodeficiency due to DOCK8 deficiency (HIES2). Also called: HIES autosomal recessive; DOCK8 Deficiency; Hyper-IgE recurrent infection syndrome, autosomal recessive; HYPER-IgE RECURRENT INFECTION SYNDROME 2, AUTOSOMAL RECESSIVE; HYPER-IgE SYNDROME 2, AUTOSOMAL RECESSIVE, WITH RECURRENT INFECTIONS. Identifiers: Orphanet 217390, MedGen C4722305, MONDO:0009478, OMIM 243700.

gnomAD v4.1: 4 of 1,614,096 alleles (0.00025%); highest among the groups gnomAD compares: South Asian, 0.0044%; no homozygotes.

Submission:

Labcorp Genetics (formerly Invitae), Labcorp
Classification: Uncertain significance for Combined immunodeficiency due to DOCK8 deficiency. Last evaluated: 2022-06-20. Review status: criteria provided, single submitter. Criteria: Invitae Variant Classification Sherloc (09022015). Collection method: clinical testing. Allele origin: germline.
Comment: This sequence change replaces isoleucine, which is neutral and non-polar, with methionine, which is neutral and non-polar, at codon 1020 of the DOCK8 protein (p.Ile1020Met). This variant is present in population databases (rs540666977, gnomAD 0.01%). In summary, the available evidence is currently insufficient to determine the role of this variant in disease. Therefore, it has been classified as a Variant of Uncertain Significance. Algorithms developed to predict the effect of missense changes on protein structure and function are either unavailable or do not agree on the potential impact of this missense change (SIFT: "Deleterious"; PolyPhen-2: "Possibly Damaging"; Align-GVGD: "Class C0"). This variant has not been reported in the literature in individuals affected with DOCK8-related conditions.